The following is an entry in ClinVar:

ClinVar aggregate classification (germline): Likely pathogenic. Review status: criteria provided, multiple submitters, no conflicts (2 of 4 stars). 2 submissions from 2 submitters: Likely pathogenic (2). Last evaluated 2024-03-11.

Conditions:
Merosin deficient congenital muscular dystrophy (MDC1A). Also called: Congenital merosin-deficient muscular dystrophy 1A; Congenital Muscular Dystrophy Type 1A (MDC1A). Identifiers: Orphanet 258, MedGen C1263858, MONDO:0011925, OMIM 607855.
LAMA2-related muscular dystrophy (LAMA2-RD). Also called: Laminin alpha 2-related dystrophy. Identifiers: MedGen C5679788, MONDO:0100228.

Submissions (2):

Baylor Genetics
Classification: Likely pathogenic for Merosin deficient congenital muscular dystrophy. Last evaluated: 2024-03-11. Review status: criteria provided, single submitter. Criteria: ACMG Guidelines, 2015. Collection method: clinical testing. Allele origin: unknown.

Labcorp Genetics (formerly Invitae), Labcorp
Classification: Likely pathogenic for LAMA2-related muscular dystrophy. Last evaluated: 2020-08-23. Review status: criteria provided, single submitter. Criteria: Invitae Variant Classification Sherloc (09022015). Collection method: clinical testing. Allele origin: germline.
Comment: In summary, the currently available evidence indicates that the variant is pathogenic, but additional data are needed to prove that conclusively. Therefore, this variant has been classified as Likely Pathogenic. This sequence change affects a donor splice site in intron 37 of the LAMA2 gene. It is expected to disrupt RNA splicing and likely results in an absent or disrupted protein product. This variant is not present in population databases (ExAC no frequency). This variant has not been reported in the literature in individuals with LAMA2-related conditions. ClinVar contains an entry for this variant (Variation ID: 950720). Algorithms developed to predict the effect of sequence changes on RNA splicing suggest that this variant may disrupt the consensus splice site, but this prediction has not been confirmed by published transcriptional studies. Donor and acceptor splice site variants typically lead to a loss of protein function (PMID: 16199547), and loss-of-function variants in LAMA2 are known to be pathogenic (PMID: 18700894).

Literature cited by the submitters: PubMed 16199547 (cited by Labcorp Genetics (formerly Invitae), Labcorp); PubMed 18700894 (cited by Labcorp Genetics (formerly Invitae), Labcorp).

NM_000426.4(LAMA2):c.5445+1G>A

Gene: LAMA2 (laminin subunit alpha 2; plus strand). Cytogenetic location: 6q22.33.
Variant type: single nucleotide variant.
Coding change: c.5445+1G>A on transcript NM_000426.4 (MANE Select); the canonical splice donor site of the intron after coding-DNA position 5445, G replaced by A.
Molecular consequence: splice donor variant.
Genome position (GRCh38, 1-based): chr6:129,393,256, G>A. VCF-style: chr6-129393256-G-A. GRCh37 (hg19) VCF-style: chr6-129714401-G-A.
Other names: c.5445+1G>A (NM_001079823.2).
Identifiers: ClinVar variation 950720 (VCV000950720.10), dbSNP rs1779423047, ClinGen allele CA365615019.